The following is an entry in ClinVar:

ClinVar aggregate classification (germline): Likely benign (1 of 4 stars; one submission).

Conditions:
TMEM67-related disorder. Also called: TMEM67-related condition; TMEM67-related disorders. Identifiers: MedGen CN239423.

gnomAD v4.1: 1 of 1,606,836 alleles (0.000062%); highest among the groups gnomAD compares: East Asian, 0.0022%; no homozygotes.

Submission:

PreventionGenetics, part of Exact Sciences
Classification: Likely benign for TMEM67-related condition. Last evaluated: 2025-12-05. Review status: criteria provided, single submitter. Criteria: ACMG Guidelines, 2015. Collection method: clinical testing. Allele origin: germline.
Comment: This variant is classified as likely benign based on ACMG/AMP sequence variant interpretation guidelines (Richards et al. 2015 PMID: 25741868, with internal and published modifications).

NM_153704.6(TMEM67):c.963T>C (p.Phe321=)

Gene: TMEM67 (transmembrane protein 67; plus strand). Cytogenetic location: 8q22.1.
Variant type: single nucleotide variant.
Coding change: c.963T>C on transcript NM_153704.6 (MANE Select); coding-DNA position 963, T replaced by C.
Protein change: p.Phe321=; no amino-acid change (phenylalanine 321 retained).
Molecular consequence: synonymous variant. On other transcripts: non-coding transcript variant (1).
Genome position (GRCh38, 1-based): chr8:93,780,967, T>C. VCF-style: chr8-93780967-T-C. GRCh37 (hg19) VCF-style: chr8-94793195-T-C.
Other names: c.720T>C, p.Phe240= (NM_001142301.1).
Identifiers: ClinVar variation 4994498 (VCV004994498.1).
Genomic context (GRCh38, chr8:93,780,967, plus strand): 5'-CCAGTTAGGATTAGCACCTCAAGTGCTCAGTTCTACCTCTCTTCCTACAAATTTCAGTTT[T>C]AAAGGAGAAAACCAGGTAAAAGTGTCTAATATCATTAGAGGATAACTACATTTTGATTTA-3'
Protein context (NP_714915.3, residues 311-331): SSTSLPTNFS[Phe321=]KGENQNTKLK